The following is an entry in ClinVar:

ClinVar aggregate classification (germline): Uncertain significance (1 of 4 stars; one submission).

Submission:

Labcorp Genetics (formerly Invitae), Labcorp
Classification: Uncertain significance. Last evaluated: 2024-12-03. Review status: criteria provided, single submitter. Criteria: Invitae Variant Classification Sherloc (09022015). Collection method: clinical testing. Allele origin: germline.
Comment: This sequence change falls in intron 17 of the CACNA1E gene. It does not directly change the encoded amino acid sequence of the CACNA1E protein. It affects a nucleotide within the consensus splice site. This variant is not present in population databases (gnomAD no frequency). This variant has not been reported in the literature in individuals affected with CACNA1E-related conditions. Variants that disrupt the consensus splice site are a relatively common cause of aberrant splicing (PMID: 17576681, 9536098). Algorithms developed to predict the effect of sequence changes on RNA splicing suggest that this variant is not likely to affect RNA splicing. In summary, the available evidence is currently insufficient to determine the role of this variant in disease. Therefore, it has been classified as a Variant of Uncertain Significance.

Literature cited by the submitters: PubMed 17576681; PubMed 9536098.

NM_001205293.3(CACNA1E):c.2142+5G>A

Gene: CACNA1E (calcium voltage-gated channel subunit alpha1 E; plus strand). Cytogenetic location: 1q25.3.
Variant type: single nucleotide variant.
Coding change: c.2142+5G>A on transcript NM_001205293.3 (MANE Select); 5 bases into the intron after coding-DNA position 2142, G replaced by A.
Molecular consequence: intron variant.
Genome position (GRCh38, 1-based): chr1:181,724,542, G>A. VCF-style: chr1-181724542-G-A. GRCh37 (hg19) VCF-style: chr1-181693678-G-A.
Other names: c.2142+5G>A (NM_000721.4, NM_001205294.2).
Identifiers: ClinVar variation 3668230 (VCV003668230.2).